The following is an entry in ClinVar:

NM_003660.4(PPFIA3):c.1026+3G>C

Gene: PPFIA3 (PTPRF interacting protein alpha 3; plus strand). Cytogenetic location: 19q13.33.
Variant type: single nucleotide variant.
Coding change: c.1026+3G>C on transcript NM_003660.4 (MANE Select); 3 bases into the intron after coding-DNA position 1026, G replaced by C.
Molecular consequence: intron variant.
Genome position (GRCh38, 1-based): chr19:49,133,150, G>C. VCF-style: chr19-49133150-G-C. GRCh37 (hg19) VCF-style: chr19-49636407-G-C.
Identifiers: ClinVar variation 3781198 (VCV003781198.1).

ClinVar aggregate classification (germline): Uncertain significance (1 of 4 stars; one submission).

gnomAD v4.1: 4 of 1,594,560 alleles (0.00025%); highest among the groups gnomAD compares: East Asian, 0.0022%; no homozygotes.

Submission:

GeneDx
Classification: Uncertain significance. Last evaluated: 2024-10-18. Review status: criteria provided, single submitter. Criteria: GeneDx Variant Classification Process June 2021. Collection method: clinical testing. Allele origin: germline. Affected: yes.
Comment: Not observed at significant frequency in large population cohorts (gnomAD); In silico analysis indicates that this variant does not alter splicing; Has not been previously published as pathogenic or benign to our knowledge